The following is an entry in ClinVar:

NM_000088.4(COL1A1):c.900G>T (p.Gln300His)

Genes: COL1A1 (collagen type I alpha 1 chain; minus strand), LOC126862586 (CDK7 strongly-dependent group 2 enhancer GRCh37_chr17:48273702-48274901; plus strand). Cytogenetic location: 17q21.33.
Variant type: single nucleotide variant.
Coding change: c.900G>T on transcript NM_000088.4 (MANE Select); coding-DNA position 900, G replaced by T.
Protein change: p.Gln300His; replaces glutamine 300 with histidine.
Molecular consequence: missense variant.
Genome position (GRCh38, 1-based): chr17:50,196,487, C>A on the plus strand (G>T on the coding strand, the complement: COL1A1 is on the minus strand). VCF-style: chr17-50196487-C-A. GRCh37 (hg19) VCF-style: chr17-48273848-C-A.
Other names: short protein forms Q300H.
Identifiers: ClinVar variation 2847096 (VCV002847096.3), dbSNP rs2509236505, ClinGen allele CA400222027.

ClinVar aggregate classification (germline): Uncertain significance (1 of 4 stars; one submission).

Conditions:
Osteogenesis imperfecta type I (OI1). Also called: Lobstein's Disease; Lobstein disease; Classic Non-deforming Osteogenesis Imperfecta with Blue Sclerae; OI, TYPE I; OSTEOGENESIS IMPERFECTA TARDA; OSTEOGENESIS IMPERFECTA WITH BLUE SCLERAE. Identifiers: Orphanet 216796, Orphanet 666, MedGen C0023931, MONDO:0008146, OMIM 166200. Disease mechanism: loss of function.

Submission:

Labcorp Genetics (formerly Invitae), Labcorp
Classification: Uncertain significance for Osteogenesis imperfecta type I. Last evaluated: 2023-03-24. Review status: criteria provided, single submitter. Criteria: Invitae Variant Classification Sherloc (09022015). Collection method: clinical testing. Allele origin: germline.
Comment: In summary, the available evidence is currently insufficient to determine the role of this variant in disease. Therefore, it has been classified as a Variant of Uncertain Significance. Advanced modeling of protein sequence and biophysical properties (such as structural, functional, and spatial information, amino acid conservation, physicochemical variation, residue mobility, and thermodynamic stability) performed at Invitae indicates that this missense variant is not expected to disrupt COL1A1 protein function. This variant has not been reported in the literature in individuals affected with COL1A1-related conditions. This variant is not present in population databases (gnomAD no frequency). This sequence change replaces glutamine, which is neutral and polar, with histidine, which is basic and polar, at codon 300 of the COL1A1 protein (p.Gln300His).